The following is an entry in ClinVar:

ClinVar aggregate classification (germline): Uncertain significance. Review status: criteria provided, multiple submitters, no conflicts (2 of 4 stars). 3 submissions from 3 submitters: Uncertain significance (3). Last evaluated 2025-08-09.

Conditions:
Inborn genetic diseases. Identifiers: MedGen C0950123, MeSH D030342.
Intellectual developmental disorder with autistic features and language delay, with or without seizures. Identifiers: MedGen C5394447, MONDO:0030051, OMIM 618906.

Allele frequency attached by ClinVar (database versions not stated): gnomAD 0.00002; gnomAD exomes 0.00002; TOPMed 0.00002; ExAC 0.00004.
gnomAD v4.1: 36 of 1,613,608 alleles (0.0022%); highest among the groups gnomAD compares: Admixed American, 0.0067%; no homozygotes.

Submissions (3):

Ambry Genetics
Classification: Uncertain significance for Inborn genetic diseases. Last evaluated: 2025-08-09. Review status: criteria provided, single submitter. Criteria: Ambry Variant Classification Scheme 2023. Collection method: clinical testing. Allele origin: germline.

Diagnostics Services (NGS), CSIR - Centre For Cellular And Molecular Biology
Classification: Uncertain significance for Intellectual developmental disorder with autistic features and language delay, with or without seizures. Last evaluated: 2022-09-07. Review status: criteria provided, single submitter. Criteria: ACMG Guidelines, 2015. Collection method: clinical testing. Allele origin: unknown. Affected: yes. Observed: 1 variant allele, 1 heterozygote.
Comment: The c.4295G>A variant is not present in 1000 Genomes, EVS, Indian Exome Database or our in-house exome database. The variant is present in ExAC and gnomAD at a low frequency. The variant has not been previously reported to ClinVar, HGMD or OMIM databases, in any affected individuals. In-silico pathogenicity prediction programs like PolyPhen-2, MutationTaster2, CADD etc. predicted this variant to be likely deleterious, however these predictions were not confirmed by any published functional studies.

Revvity Omics, Revvity
Classification: Uncertain significance for Intellectual developmental disorder with autistic features and language delay, with or without seizures. Last evaluated: 2022-03-31. Review status: criteria provided, single submitter. Criteria: ACMG Guidelines, 2015. Collection method: clinical testing. Allele origin: germline.

NM_001394998.1(TANC2):c.4547G>A (p.Arg1516Gln)

Gene: TANC2 (tetratricopeptide repeat, ankyrin repeat and coiled-coil containing 2; plus strand). Cytogenetic location: 17q23.3.
Variant type: single nucleotide variant.
Coding change: c.4547G>A on transcript NM_001394998.1 (MANE Select); coding-DNA position 4547, G replaced by A.
Protein change: p.Arg1516Gln; replaces arginine 1516 with glutamine.
Molecular consequence: missense variant.
Genome position (GRCh38, 1-based): chr17:63,420,277, G>A. VCF-style: chr17-63420277-G-A. GRCh37 (hg19) VCF-style: chr17-61497638-G-A.
Other names: c.4325G>A, p.Arg1442Gln (NM_001411076.1); c.4295G>A, p.Arg1432Gln (NM_025185.4); c.4295G>A (NM_025185.3); short protein forms R1432Q, R1442Q, R1516Q.
Identifiers: ClinVar variation 1802236 (VCV001802236.7), dbSNP rs748768315, ClinGen allele CA8698269.
Genomic context (GRCh38, chr17:63,420,277, plus strand): 5'-AGGAGGAGTACCTGGAACAGGATGTTGAAAATGTTTCCATTGGCCTCCAGACAGAGGCCC[G>A]GCCCAGCCAGGGGCTCCCGGTCATCCAGAGCCCACCCTCCTCTCCCCCGCATCGGGACTC-3'
Protein context (NP_001381927.1, residues 1506-1526): NVSIGLQTEA[Arg1516Gln]PSQGLPVIQS